The following is an entry in ClinVar:

NM_182972.3(IRF2BP2):c.914T>C (p.Val305Ala)

Gene: IRF2BP2 (interferon regulatory factor 2 binding protein 2; minus strand). Cytogenetic location: 1q42.3.
Variant type: single nucleotide variant.
Coding change: c.914T>C on transcript NM_182972.3 (MANE Select); coding-DNA position 914, T replaced by C.
Protein change: p.Val305Ala; replaces valine 305 with alanine.
Molecular consequence: missense variant.
Genome position (GRCh38, 1-based): chr1:234,608,581, A>G on the plus strand (T>C on the coding strand, the complement: IRF2BP2 is on the minus strand). VCF-style: chr1-234608581-A-G. GRCh37 (hg19) VCF-style: chr1-234744327-A-G.
Other names: c.914T>C, p.Val305Ala (NM_001077397.1); short protein forms V305A.
Identifiers: ClinVar variation 4727797 (VCV004727797.1).

ClinVar aggregate classification (germline): Uncertain significance (1 of 4 stars; one submission).

Submission:

Labcorp Genetics (formerly Invitae), Labcorp
Classification: Uncertain significance. Last evaluated: 2025-09-24. Review status: criteria provided, single submitter. Criteria: Invitae Variant Classification Sherloc (09022015). Collection method: clinical testing. Allele origin: germline.
Comment: This sequence change replaces valine, which is neutral and non-polar, with alanine, which is neutral and non-polar, at codon 305 of the IRF2BP2 protein (p.Val305Ala). This variant is not present in population databases (gnomAD no frequency). This variant has not been reported in the literature in individuals affected with IRF2BP2-related conditions. An algorithm developed to predict the effect of missense changes on protein structure and function (PolyPhen-2) suggests that this variant is likely to be disruptive. In summary, the available evidence is currently insufficient to determine the role of this variant in disease. Therefore, it has been classified as a Variant of Uncertain Significance.